The following is an entry in ClinVar:

ClinVar aggregate classification (germline): Conflicting classifications of pathogenicity. Review status: criteria provided, conflicting classifications (1 of 4 stars). 10 submissions from 10 submitters: Uncertain significance (4); Benign (1); Likely benign (5). Last evaluated 2026-02-03.

Conditions:
Cardiovascular phenotype. Identifiers: MedGen CN230736.
Arrhythmogenic cardiomyopathy with wooly hair and keratoderma. Also called: Dilated cardiomyopathy with woolly hair and keratoderma; Arrhythmogenic cardiomyopathy with woolly hair and keratoderma; PALMOPLANTAR KERATODERMA WITH LEFT VENTRICULAR CARDIOMYOPATHY AND WOOLLY HAIR; Carvajal syndrome. Identifiers: Orphanet 65282, MedGen C1854063, MONDO:0011581, OMIM 605676.
Arrhythmogenic right ventricular dysplasia 8 (ARVD8). Also called: ARRHYTHMOGENIC RIGHT VENTRICULAR CARDIOMYOPATHY 8; Arrhythmogenic Right Ventricular Dysplasia/Cardiomyopathy 8; ARRHYTHMOGENIC RIGHT VENTRICULAR DYSPLASIA, FAMILIAL, 8. Identifiers: MedGen C1843896, MONDO:0011831, OMIM 607450.
Cardiomyopathy (CMYO). Also called: Cardiomyopathies. Identifiers: Orphanet 167848, MedGen C0878544, MONDO:0004994, HP:0001638. Inheritance: Various modes of inheritance.

Allele frequency attached by ClinVar (database versions not stated): gnomAD 0.00016; ExAC 0.00018; TOPMed 0.00022; gnomAD exomes 0.00023 and 0.00029.
gnomAD v4.1: 437 of 1,614,116 alleles (0.027%); highest among the groups gnomAD compares: Admixed American, 0.04%; no homozygotes.

Submissions (10):

Labcorp Genetics (formerly Invitae), Labcorp
Classification: Benign for Arrhythmogenic cardiomyopathy with wooly hair and keratoderma; Arrhythmogenic right ventricular dysplasia 8. Last evaluated: 2026-02-03. Review status: criteria provided, single submitter. Criteria: Invitae Variant Classification Sherloc (09022015). Collection method: clinical testing. Allele origin: germline.

Women's Health and Genetics/Laboratory Corporation of America, LabCorp
Classification: Likely benign. Last evaluated: 2025-06-23. Review status: criteria provided, single submitter. Criteria: LabCorp Variant Classification Summary - May 2015. Collection method: clinical testing. Allele origin: germline.
Comment: Variant summary: DSP c.4775A>G (p.Lys1592Arg) results in a conservative amino acid change in the encoded protein sequence. Algorithms developed to predict the effect of missense changes on protein structure and function are either unavailable or do not agree on the potential impact of this missense change. The variant allele was found at a frequency of 0.00023 in 250148 control chromosomes, predominantly at a frequency of 0.00041 within the Latino subpopulation in the gnomAD database. The observed variant frequency within Latino control individuals in the gnomAD database is approximately 41 fold of the estimated maximal expected allele frequency for a pathogenic variant in DSP causing Arrhythmia phenotype (1e-05), strongly suggesting that the variant is a benign polymorphism found primarily in populations of Latino origin. c.4775A>G has been observed in one individual affected with ARVD, one individual with a history of syncope and one individual with sudden cardiac arrest (Cox_2011, Bagnall_2014, Asatryan_2019). These report(s) do not provide unequivocal conclusions about association of the variant with Arrhythmia/Arrhythmogenic Right Ventricular Dysplasia/Cardiomyopathy. These report(s) do not provide unequivocal conclusions about association of the variant with Arrhythmia. To our knowledge, no experimental evidence demonstrating an impact on protein function has been reported. The following publications have been ascertained in the context of this evaluation (PMID: 30975432, 24440382, 21606396, 27153395). ClinVar contains an entry for this variant (Variation ID: 188466). Based on the evidence outlined above, the variant was classified as likely benign.

Color Diagnostics, LLC DBA Color Health
Classification: Likely benign for Cardiomyopathy. Last evaluated: 2025-04-14. Review status: criteria provided, single submitter. Criteria: ACMG Guidelines, 2015. Collection method: clinical testing. Allele origin: germline.

ARUP Laboratories, Molecular Genetics and Genomics, ARUP Laboratories
Classification: Uncertain significance. Last evaluated: 2025-04-11. Review status: criteria provided, single submitter. Criteria: ARUP Molecular Germline Variant Investigation Process 2024. Collection method: clinical testing. Allele origin: germline.
Comment: The DSP c.4775A>G; p.Lys1592Arg variant (rs200421954, ClinVar Variation ID: 188466) is reported in the literature in multiple individuals included in cohorts of patients affected with arrhythmogenic right ventricular dysplasia or sudden cardiac death (Asatryan 2019, Bhonsale 2015, Cox 2011). This variant is found in the general population with an overall allele frequency of 0.023% (65/ 281550 alleles) in the Genome Aggregation Database (v2.1.1). Computational analyses predict that this variant is deleterious (REVEL: 0.715). Due to limited information, the clinical significance of this variant is uncertain at this time. References: Asatryan B et al. Usefulness of Genetic Testing in Sudden Cardiac Arrest Survivors With or Without Previous Clinical Evidence of Heart Disease. Am J Cardiol. 2019 Jun 15;123(12):2031-2038. Mar 18. PMID: 30975432. Bhonsale A et al. Impact of genotype on clinical course in arrhythmogenic right ventricular dysplasia/cardiomyopathy-associated mutation carriers. Eur Heart J. 2015 Apr 7;36(14):847-55. PMID: 25616645. Cox MG et al. Arrhythmogenic right ventricular dysplasia/cardiomyopathy: pathogenic desmosome mutations in index-patients predict outcome of family screening: Dutch arrhythmogenic right ventricular dysplasia/cardiomyopathy genotype-phenotype follow-up study. Circulation. 2011 Jun 14;123(23):2690-700. PMID: 21606396.

All of Us Research Program, National Institutes of Health
Classification: Uncertain significance for Arrhythmogenic cardiomyopathy with wooly hair and keratoderma. Last evaluated: 2024-09-23. Review status: criteria provided, single submitter. Criteria: ACMG Guidelines, 2015. Collection method: clinical testing. Allele origin: germline. Inheritance: Autosomal dominant inheritance. Observed: 93 variant alleles, 93 heterozygotes.
Comment: This missense variant replaces lysine with arginine at codon 1592 of the DSP protein. Computational prediction suggests that this variant may have deleterious impact on protein structure and function (internally defined REVEL score threshold >= 0.7, PMID: 27666373). To our knowledge, functional studies have not been reported for this variant. This variant has been reported in an individual affected with arrhythmogenic right ventricular cardiomyopathy (PMID: 21606396), in an individual with sudden death (PMID: 24440382), and in a sudden cardiac arrest survivor (PMID: 30975432). This variant occurs at an elevated allele frequency in the general population and has been identified in 65/281550 chromosomes by the Genome Aggregation Database (gnomAD). The available evidence is insufficient to determine the role of this variant in disease conclusively. Therefore, this variant is classified as a Variant of Uncertain Significance.

This study involves interpretation of variants in research participants for the purpose of population health screening. Participant phenotype was not available at the time of variant classification. Additional details can be found in publication PMID: 35346344, PMCID: PMC8962531

Blueprint Genetics
Classification: Likely benign. Last evaluated: 2024-06-12. Review status: criteria provided, single submitter. Criteria: ACMG Guidelines, 2015. Collection method: clinical testing. Allele origin: germline.

Ambry Genetics
Classification: Likely benign for Cardiovascular phenotype. Last evaluated: 2023-05-03. Review status: criteria provided, single submitter. Criteria: Ambry Variant Classification Scheme 2023. Collection method: clinical testing. Allele origin: germline.

CeGaT Center for Human Genetics Tuebingen
Classification: Uncertain significance. Last evaluated: 2023-01-01. Review status: criteria provided, single submitter. Criteria: CeGaT Center For Human Genetics Tuebingen Variant Classification Criteria Version 2. Collection method: clinical testing. Allele origin: germline. Affected: yes. Observed: 1 variant allele.
Comment: DSP: PM2, BP4

CHEO Genetics Diagnostic Laboratory, Children's Hospital of Eastern Ontario
Classification: Likely benign for Cardiomyopathy. Last evaluated: 2022-03-29. Review status: criteria provided, single submitter. Criteria: ACMG Guidelines, 2015. Collection method: clinical testing. Allele origin: germline.

GeneDx
Classification: Uncertain significance. Last evaluated: 2022-03-07. Review status: criteria provided, single submitter. Criteria: GeneDx Variant Classification Process June 2021. Collection method: clinical testing. Allele origin: germline. Affected: yes.
Comment: Reported in association with HCM, ARVC, and sudden unexplained death (Cox et al., 2011; Bagnall et al., 2014; Bhonsale et al., 2015; Lopes et al., 2015); In silico analysis supports that this missense variant does not alter protein structure/function; This variant is associated with the following publications: (PMID: 25351510, 24440382, 25616645, 21606396, 27153395, 30975432)

Literature cited by the submitters: PubMed 21606396 (cited by 3 submitters); PubMed 27153395 (cited by Women's Health and Genetics/Laboratory Corporation of America, LabCorp and Ambry Genetics); PubMed 24440382 (cited by 3 submitters); PubMed 30975432 (cited by 3 submitters); PubMed 27532257 (cited by Ambry Genetics).

NM_004415.4(DSP):c.4775A>G (p.Lys1592Arg)

Gene: DSP (desmoplakin; plus strand). Cytogenetic location: 6p24.3.
Variant type: single nucleotide variant.
Coding change: c.4775A>G on transcript NM_004415.4 (MANE Select); coding-DNA position 4775, A replaced by G.
Protein change: p.Lys1592Arg; replaces lysine 1592 with arginine.
Molecular consequence: missense variant. On other transcripts: intron variant (2).
Genome position (GRCh38, 1-based): chr6:7,580,965, A>G. VCF-style: chr6-7580965-A-G. GRCh37 (hg19) VCF-style: chr6-7581198-A-G.
Other names: p.K1592R:AAG>AGG; c.4050+725A>G (NM_001319034.2); c.3582+1193A>G (NM_001008844.3); short protein forms K1592R.
Identifiers: ClinVar variation 188466 (VCV000188466.58), dbSNP rs200421954, ClinGen allele CA004168.
Genomic context (GRCh38, chr6:7,580,965, plus strand): 5'-AGGTGGAAGAGGAGCTGAATCGGCTGAAGAGGACCGCGTCAGAAGACTCCTGCAAGAGGA[A>G]GAAGCTGGAGGAAGAGCTGGAAGGCATGAGGAGGTCGCTGAAGGAGCAAGCCATCAAAAT-3'
Protein context (NP_004406.2, residues 1582-1602): RTASEDSCKR[Lys1592Arg]KLEEELEGMR